The following is an entry in ClinVar:

NM_001369268.1(ACAN):c.188C>A (p.Ala63Asp)

Gene: ACAN (aggrecan; plus strand). Cytogenetic location: 15q26.1.
Variant type: single nucleotide variant.
Coding change: c.188C>A on transcript NM_001369268.1 (MANE Select); coding-DNA position 188, C replaced by A.
Protein change: p.Ala63Asp; replaces alanine 63 with aspartic acid.
Molecular consequence: missense variant.
Genome position (GRCh38, 1-based): chr15:88,838,780, C>A. VCF-style: chr15-88838780-C-A. GRCh37 (hg19) VCF-style: chr15-89382011-C-A.
Other names: c.188C>A, p.Ala63Asp (NM_001135.4, NM_001411096.1, NM_001411097.1 and 1 more transcripts); short protein forms A63D.
Identifiers: ClinVar variation 2584787 (VCV002584787.1), dbSNP rs1245147885, ClinGen allele CA393714906.

ClinVar aggregate classification (germline): Uncertain significance (1 of 4 stars; one submission).

Conditions:
Spondyloepimetaphyseal dysplasia, aggrecan type. Also called: SEMD, AGGRECAN TYPE. Identifiers: Orphanet 171866, MedGen C2748544, MONDO:0013014, OMIM 612813.

Submission:

Neuberg Centre For Genomic Medicine, NCGM
Classification: Uncertain significance for Spondyloepimetaphyseal dysplasia, aggrecan type. Review status: criteria provided, single submitter. Criteria: ACMG Guidelines, 2015. Collection method: clinical testing. Allele origin: germline. Inheritance: Autosomal recessive inheritance. Affected: yes.
Comment: The missense variant in c.188C>A in ACAN gene has not been reported previously as a pathogenic variant nor as a benign variant, to our knowledge. The p.Ala63Asp variant is novel (not in any individuals) in gnomAD Exomes and 1000 Genomes. This variant has not been reported to the ClinVar database. The amino acid change p.Ala63Asp in ACAN is predicted as conserved by GERP++ and PhyloP across 100 vertebrates. The amino acid Ala at position 63 is changed to a Asp changing protein sequence and it might alter its composition and physico-chemical properties. For these reasons, this variant has been classified as Uncertain Significance (VUS).